The following is an entry in ClinVar:

ClinVar aggregate classification (germline): Uncertain significance (1 of 4 stars; one submission).

Allele frequency attached by ClinVar (database versions not stated): gnomAD exomes below 0.00001; ExAC 0.00001; gnomAD 0.00001.
gnomAD v4.1: 8 of 1,613,676 alleles (0.0005%); highest among the groups gnomAD compares: East Asian, 0.0089%; no homozygotes.

Submission:

Labcorp Genetics (formerly Invitae), Labcorp
Classification: Uncertain significance. Last evaluated: 2022-12-06. Review status: criteria provided, single submitter. Criteria: Invitae Variant Classification Sherloc (09022015). Collection method: clinical testing. Allele origin: germline.
Comment: This sequence change replaces isoleucine, which is neutral and non-polar, with valine, which is neutral and non-polar, at codon 1362 of the LRP5 protein (p.Ile1362Val). In summary, the available evidence is currently insufficient to determine the role of this variant in disease. Therefore, it has been classified as a Variant of Uncertain Significance. Advanced modeling of protein sequence and biophysical properties (such as structural, functional, and spatial information, amino acid conservation, physicochemical variation, residue mobility, and thermodynamic stability) performed at Invitae indicates that this missense variant is not expected to disrupt LRP5 protein function. This missense change has been observed in individual(s) with familial exudative vitreoretinopathy (PMID: 30097784, 35277167). This variant is present in population databases (rs767699531, gnomAD 0.02%).

Literature cited by the submitters: PubMed 30097784; PubMed 35277167.

NM_002335.4(LRP5):c.4084A>G (p.Ile1362Val)

Gene: LRP5 (LDL receptor related protein 5; plus strand). Cytogenetic location: 11q13.2.
Variant type: single nucleotide variant.
Coding change: c.4084A>G on transcript NM_002335.4 (MANE Select); coding-DNA position 4084, A replaced by G.
Protein change: p.Ile1362Val; replaces isoleucine 1362 with valine.
Molecular consequence: missense variant.
Genome position (GRCh38, 1-based): chr11:68,436,972, A>G. VCF-style: chr11-68436972-A-G. GRCh37 (hg19) VCF-style: chr11-68204440-A-G.
Other names: c.2341A>G, p.Ile781Val (NM_001291902.2); short protein forms I1362V, I781V.
Identifiers: ClinVar variation 2159497 (VCV002159497.4), dbSNP rs767699531, ClinGen allele CA6150226.